The following is an entry in ClinVar:

NM_001134363.3(RBM20):c.1432T>G (p.Tyr478Asp)

Gene: RBM20 (RNA binding motif protein 20; plus strand). Cytogenetic location: 10q25.2.
Variant type: single nucleotide variant.
Coding change: c.1432T>G on transcript NM_001134363.3 (MANE Select); coding-DNA position 1432, T replaced by G.
Protein change: p.Tyr478Asp; replaces tyrosine 478 with aspartic acid.
Molecular consequence: missense variant.
Genome position (GRCh38, 1-based): chr10:110,784,794, T>G. VCF-style: chr10-110784794-T-G. GRCh37 (hg19) VCF-style: chr10-112544552-T-G.
Other names: short protein forms Y478D.
Identifiers: ClinVar variation 2640831 (VCV002640831.27), dbSNP rs1341280413, ClinGen allele CA378388358.

ClinVar aggregate classification (germline): Uncertain significance. Review status: criteria provided, multiple submitters, no conflicts (2 of 4 stars). 4 submissions from 4 submitters: Uncertain significance (3). 1 of the submissions does not count toward it. Last evaluated 2025-01-02.

Conditions:
Dilated cardiomyopathy 1DD (CMD1DD). Identifiers: Orphanet 154, MedGen C2750995, MONDO:0013168, OMIM 613172.
Cardiovascular phenotype. Identifiers: MedGen CN230736.

Submissions (4):

Ambry Genetics
Classification: Uncertain significance for Cardiovascular phenotype. Last evaluated: 2025-01-02. Review status: criteria provided, single submitter. Criteria: Ambry Variant Classification Scheme 2023. Collection method: clinical testing. Allele origin: germline.
Comment: The p.Y478D variant (also known as c.1432T>G), located in coding exon 5 of the RBM20 gene, results from a T to G substitution at nucleotide position 1432. The tyrosine at codon 478 is replaced by aspartic acid, an amino acid with highly dissimilar properties. This amino acid position is well conserved in available vertebrate species. In addition, the in silico prediction for this alteration is inconclusive. Based on the available evidence, the clinical significance of this variant remains unclear.

Blueprint Genetics
Classification: Uncertain significance. Last evaluated: 2023-05-23. Review status: criteria provided, single submitter. Criteria: ACMG Guidelines, 2015. Collection method: clinical testing. Allele origin: germline.

CeGaT Center for Human Genetics Tuebingen
Classification: Uncertain significance. Last evaluated: 2023-02-01. Review status: criteria provided, single submitter. Criteria: CeGaT Center For Human Genetics Tuebingen Variant Classification Criteria Version 2. Collection method: clinical testing. Allele origin: germline. Affected: yes. Observed: 1 variant allele.
Comment: RBM20: PM2

Clinical Genetics Laboratory, University Hospital Schleswig-Holstein
Classification: Uncertain significance for Dilated cardiomyopathy 1DD. Last evaluated: 2024-07-25. Review status: no assertion criteria provided. Collection method: clinical testing. Allele origin: germline. Affected: yes. Not counted in ClinVar's aggregate classification.